The following is an entry in ClinVar:

ClinVar aggregate classification (germline): Conflicting classifications of pathogenicity. Review status: criteria provided, conflicting classifications (1 of 4 stars). 4 submissions from 4 submitters: Uncertain significance (2); Likely benign (2). Last evaluated 2025-10-01.

Conditions:
Inborn genetic diseases. Identifiers: MedGen C0950123, MeSH D030342.
Nance-Horan syndrome (NHS). Identifiers: Orphanet 627, MedGen C0796085, MONDO:0010545, OMIM 302350.

Allele frequency attached by ClinVar (database versions not stated): ExAC 0.00001; gnomAD exomes 0.00001; gnomAD 0.00004; TOPMed 0.00009; ESP Exome Variant Server 0.00019; 1000 Genomes Project 30x 0.00021; 1000 Genomes Project 0.00026.
gnomAD v4.1: 16 of 1,209,441 alleles (0.0013%); highest among the groups gnomAD compares: African/African-American, 0.014%; no homozygotes.

Submissions (4):

CeGaT Center for Human Genetics Tuebingen
Classification: Likely benign. Last evaluated: 2025-10-01. Review status: criteria provided, single submitter. Criteria: CeGaT Center For Human Genetics Tuebingen Variant Classification Criteria Version 2. Collection method: clinical testing. Allele origin: germline. Affected: yes. Observed: 1 variant allele.
Comment: NHS: BP4

Labcorp Genetics (formerly Invitae), Labcorp
Classification: Uncertain significance for Nance-Horan syndrome. Last evaluated: 2025-09-24. Review status: criteria provided, single submitter. Criteria: Invitae Variant Classification Sherloc (09022015). Collection method: clinical testing. Allele origin: germline.
Comment: This sequence change replaces arginine, which is basic and polar, with histidine, which is basic and polar, at codon 1260 of the NHS protein (p.Arg1260His). This variant is present in population databases (rs138895219, gnomAD 0.03%), including at least one homozygous and/or hemizygous individual. This variant has not been reported in the literature in individuals affected with NHS-related conditions. ClinVar contains an entry for this variant (Variation ID: 2723510). Invitae Evidence Modeling of protein sequence and biophysical properties (such as structural, functional, and spatial information, amino acid conservation, physicochemical variation, residue mobility, and thermodynamic stability) indicates that this missense variant is not expected to disrupt NHS protein function with a negative predictive value of 80%. In summary, the available evidence is currently insufficient to determine the role of this variant in disease. Therefore, it has been classified as a Variant of Uncertain Significance.

Ambry Genetics
Classification: Likely benign for Inborn genetic diseases. Last evaluated: 2024-08-07. Review status: criteria provided, single submitter. Criteria: Ambry Variant Classification Scheme 2023. Collection method: clinical testing. Allele origin: germline.

Breakthrough Genomics
Classification: Uncertain significance. Review status: criteria provided, single submitter. Criteria: ACMG Guidelines, 2015. Collection method: not provided. Allele origin: germline. Inheritance: X-linked inheritance. Affected: yes.

NM_001291867.2(NHS):c.3842G>A (p.Arg1281His)

Gene: NHS (NHS actin remodeling regulator; plus strand). Cytogenetic location: Xp22.13.
Variant type: single nucleotide variant.
Coding change: c.3842G>A on transcript NM_001291867.2 (MANE Select); coding-DNA position 3842, G replaced by A.
Protein change: p.Arg1281His; replaces arginine 1281 with histidine.
Molecular consequence: missense variant.
Genome position (GRCh38, 1-based): chrX:17,727,948, G>A. VCF-style: chrX-17727948-G-A. GRCh37 (hg19) VCF-style: chrX-17746068-G-A.
Other names: c.3779G>A (NM_198270.2); c.3311G>A, p.Arg1104His (NM_001136024.4); c.3248G>A, p.Arg1083His (NM_001291868.2); c.3779G>A, p.Arg1260His (NM_198270.4); short protein forms R1281H, R1083H, R1104H, R1260H.
Identifiers: ClinVar variation 2723510 (VCV002723510.12), dbSNP rs138895219, ClinGen allele CA10358860.